The following is an entry in ClinVar:

NM_003722.5(TP63):c.579G>A (p.Thr193=)

Gene: TP63 (tumor protein p63; plus strand). Cytogenetic location: 3q28.
Variant type: single nucleotide variant.
Coding change: c.579G>A on transcript NM_003722.5 (MANE Select); coding-DNA position 579, G replaced by A.
Protein change: p.Thr193=; no amino-acid change (threonine 193 retained).
Molecular consequence: synonymous variant. On other transcripts: intron variant (2).
Genome position (GRCh38, 1-based): chr3:189,808,526, G>A. VCF-style: chr3-189808526-G-A. GRCh37 (hg19) VCF-style: chr3-189526315-G-A.
Other names: c.579G>A, p.Thr193= (NM_001114978.2, NM_001114979.2, NM_001329144.2 and 1 more transcripts); c.297G>A, p.Thr99= (NM_001114980.2, NM_001114981.2, NM_001114982.2 and 2 more transcripts); c.573G>A, p.Thr191= (NM_001329964.2); c.42+18684G>A (NM_001329146.2, NM_001329150.2).
Identifiers: ClinVar variation 2672105 (VCV002672105.1), dbSNP rs1159440697, ClinGen allele CA437413097.

ClinVar aggregate classification (germline): Uncertain significance (1 of 4 stars; one submission).

Conditions:
Ankyloblepharon filiforme adnatum-cleft palate syndrome. Also called: Ankyloblepharon filiforme adnatum and cleft palate; Congenital filiform fusion of the eyelids with cleft palate and/or cleft lip; Ankyloblepharon filiforme congenitum; Ankyloblepharon filiforme adnatum cleft palate. Identifiers: Orphanet 1072, MedGen C1862866, MONDO:0007123, OMIM 106250.

Allele frequency attached by ClinVar (database versions not stated): gnomAD exomes below 0.00001; gnomAD 0.00001.
gnomAD v4.1: 4 of 1,613,590 alleles (0.00025%); highest among the groups gnomAD compares: South Asian, 0.0011%; no homozygotes.

Submission:

Clinical Genomics Laboratory, Washington University in St. Louis
Classification: Uncertain significance for Ankyloblepharon filiforme adnatum-cleft palate syndrome. Last evaluated: 2023-08-29. Review status: criteria provided, single submitter. Criteria: ACMG Guidelines, 2015. Collection method: clinical testing. Allele origin: germline.
Comment: The TP63 c.579G>A (p.Thr193=) variant, to our knowledge, has not been reported in the medical literature, but another variant in this intron that results in an in-frame transcript has been described in an individual affected with a TP63-related disorder (Monti P et al., PMID: 23463580). This variant is only observed on 2/281,792 alleles in the general population (gnomAD v.2.1.1), indicating it is not a common variant. This is a synonymous variant not predicted to directly alter the protein sequence, but computational predictors indicate that this variant would alter mRNA splicing, theoretically leading to an in-frame transcript lacking approximately 84 amino acids including a portion of the DNA binding domain. Differential control of mRNA splicing has been hypothesized to lead to incomplete penetrance and variable expressivity (Einson J et al., PMID: 36778406). Due to limited information, and based on ACMG/AMP guidelines for variant interpretation (Richards S et al., PMID: 25741868), the clinical significance of this variant is uncertain at this time.